The following is an entry in ClinVar:

NM_032043.3(BRIP1):c.544A>C (p.Asn182His)

Gene: BRIP1 (BRCA1 interacting DNA helicase 1; minus strand). Cytogenetic location: 17q23.2.
Variant type: single nucleotide variant.
Coding change: c.544A>C on transcript NM_032043.3 (MANE Select); coding-DNA position 544, A replaced by C.
Protein change: p.Asn182His; replaces asparagine 182 with histidine.
Molecular consequence: missense variant.
Genome position (GRCh38, 1-based): chr17:61,847,184, T>G on the plus strand (A>C on the coding strand, the complement: BRIP1 is on the minus strand). VCF-style: chr17-61847184-T-G. GRCh37 (hg19) VCF-style: chr17-59924545-T-G.
Other names: short protein forms N182H.
Identifiers: ClinVar variation 2931892 (VCV002931892.4), dbSNP rs2145744160, ClinGen allele CA400483207.

ClinVar aggregate classification (germline): Conflicting classifications of pathogenicity. Review status: criteria provided, conflicting classifications (1 of 4 stars). 2 submissions from 2 submitters: Uncertain significance (1); Likely benign (1). Last evaluated 2025-05-03.

Conditions:
Hereditary cancer-predisposing syndrome. Also called: Neoplastic Syndromes, Hereditary; Tumor predisposition; Hereditary Cancer Syndrome; Hereditary neoplastic syndrome. Identifiers: Orphanet 140162, MedGen C0027672, MeSH D009386, MONDO:0015356.
Fanconi anemia complementation group J. Also called: BRIP1-Related Fanconi Anemia. Identifiers: Orphanet 84, MedGen C1836860, MONDO:0012187, OMIM 609054.
Familial cancer of breast. Also called: Hereditary breast cancer; hereditary breast carcinoma; BREAST CANCER, FAMILIAL. Identifiers: Orphanet 227535, MedGen C0346153, MONDO:0016419, OMIM 114480. Disease mechanism: loss of function.

Submissions (2):

Ambry Genetics
Classification: Likely benign for Hereditary cancer-predisposing syndrome. Last evaluated: 2025-05-03. Review status: criteria provided, single submitter. Criteria: Ambry Variant Classification Scheme 2023. Collection method: clinical testing. Allele origin: germline.

Labcorp Genetics (formerly Invitae), Labcorp
Classification: Uncertain significance for Familial cancer of breast; Fanconi anemia complementation group J. Last evaluated: 2023-08-28. Review status: criteria provided, single submitter. Criteria: Invitae Variant Classification Sherloc (09022015). Collection method: clinical testing. Allele origin: germline.
Comment: This sequence change replaces asparagine, which is neutral and polar, with histidine, which is basic and polar, at codon 182 of the BRIP1 protein (p.Asn182His). In summary, the available evidence is currently insufficient to determine the role of this variant in disease. Therefore, it has been classified as a Variant of Uncertain Significance. Advanced modeling of protein sequence and biophysical properties (such as structural, functional, and spatial information, amino acid conservation, physicochemical variation, residue mobility, and thermodynamic stability) performed at Invitae indicates that this missense variant is not expected to disrupt BRIP1 protein function. This variant has not been reported in the literature in individuals affected with BRIP1-related conditions. This variant is not present in population databases (gnomAD no frequency).